The following is an entry in ClinVar:

ClinVar aggregate classification (germline): Uncertain significance (1 of 4 stars; one submission).

gnomAD v4.1: 126 of 1,613,712 alleles (0.0078%); highest among the groups gnomAD compares: Middle Eastern, 0.049%; 1 homozygote.

Submission:

CeGaT Center for Human Genetics Tuebingen
Classification: Uncertain significance. Last evaluated: 2026-07-01. Review status: criteria provided, single submitter. Criteria: CeGaT Center For Human Genetics Tuebingen Variant Classification Criteria Version 2. Collection method: clinical testing. Allele origin: germline. Affected: yes. Observed: 2 variant alleles.
Comment: DNAH10: PM2, PP2

NM_001372106.1(DNAH10):c.4648G>A (p.Glu1550Lys)

Gene: DNAH10 (dynein axonemal heavy chain 10; plus strand). Cytogenetic location: 12q24.31.
Variant type: single nucleotide variant.
Coding change: c.4648G>A on transcript NM_001372106.1 (MANE Select); coding-DNA position 4648, G replaced by A.
Protein change: p.Glu1550Lys; replaces glutamic acid 1550 with lysine.
Molecular consequence: missense variant.
Genome position (GRCh38, 1-based): chr12:123,833,216, G>A. VCF-style: chr12-123833216-G-A. GRCh37 (hg19) VCF-style: chr12-124317763-G-A.
Other names: c.4294G>A, p.Glu1432Lys (NM_207437.3); short protein forms E1432K, E1550K.
Identifiers: ClinVar variation 3770638 (VCV003770638.13).
Genomic context (GRCh38, chr12:123,833,216, plus strand): 5'-ACTGTAGTCAAGTATTGCAAAGGCACACAGGAGCGAGGCTACATCCTGGGTTCTGTTGAC[G>A]AAATTATTCAGTCTCTTGATGACAACACTTTCAACCTGCAGAGCATCTCAGGAAGCAGAT-3'
Protein context (NP_001359035.1, residues 1540-1560): ERGYILGSVD[Glu1550Lys]IIQSLDDNTF